The following is an entry in ClinVar:

ClinVar aggregate classification (germline): Likely benign (1 of 4 stars; one submission).

gnomAD v4.1: 4 of 1,613,172 alleles (0.00025%); highest among the groups gnomAD compares: South Asian, 0.0011%; no homozygotes.

Submission:

CeGaT Center for Human Genetics Tuebingen
Classification: Likely benign. Last evaluated: 2024-12-01. Review status: criteria provided, single submitter. Criteria: CeGaT Center For Human Genetics Tuebingen Variant Classification Criteria Version 2. Collection method: clinical testing. Allele origin: germline. Affected: yes. Observed: 1 variant allele.
Comment: TTN: BP4, BP7

NM_001267550.2(TTN):c.11311+5523A>G

Genes: TTN (titin; minus strand), LOC126806432 (CDK7 strongly-dependent group 2 enhancer GRCh37_chr2:179611985-179613184; plus strand). Cytogenetic location: 2q31.2.
Variant type: single nucleotide variant.
Coding change: c.11311+5523A>G on transcript NM_001267550.2 (MANE Select); 5523 bases into the intron after coding-DNA position 11311, A replaced by G.
Molecular consequence: intron variant. On other transcripts: synonymous variant (1).
Genome position (GRCh38, 1-based): chr2:178,747,601, T>C on the plus strand (A>G on the coding strand, the complement: TTN is on the minus strand). VCF-style: chr2-178747601-T-C. GRCh37 (hg19) VCF-style: chr2-179612328-T-C.
Other names: c.14799A>G, p.Glu4933= (NM_133379.5); c.10222+5523A>G (NM_003319.4); c.10798+5523A>G (NM_133437.4); c.10597+5523A>G (NM_133432.3); c.10360+5523A>G (NM_133378.4, NM_001256850.1).
Identifiers: ClinVar variation 3389407 (VCV003389407.14).